The following is an entry in ClinVar:

NM_015443.4(KANSL1):c.2579_2580delinsGC (p.Phe860Cys)

Gene: KANSL1 (KAT8 regulatory NSL complex subunit 1). Cytogenetic location: 17q21.31.
Variant type: Indel.
Coding change: c.2579_2580delinsGC on transcript NM_015443.4 (MANE Select); coding-DNA positions 2579 to 2580, the reference bases replaced by GC.
Protein change: p.Phe860Cys; replaces phenylalanine 860 with cysteine.
Molecular consequence: missense variant.
Genome position: GRCh38 VCF-style: chr17-46034247-AA-GC. GRCh37 (hg19) VCF-style: chr17-44111613-AA-GC.
Other names: c.2390_2391delTTinsGC, p.Phe797Cys (NM_001405875.1, NM_001405876.1, NM_001405877.1 and 1 more transcripts); c.2387_2388delTTinsGC, p.Phe796Cys (NM_001405879.1, NM_001405880.1); c.2474_2475delTTinsGC, p.Phe825Cys (NM_001405881.1, NM_001405861.1); c.1313_1314delTTinsGC, p.Phe438Cys (NM_001405882.1); c.1310_1311delTTinsGC, p.Phe437Cys (NM_001405883.1); c.1124_1125delTTinsGC, p.Phe375Cys (NM_001405884.1); c.2576_2577delinsGC, p.Phe859Cys (NM_001193465.2); c.2579_2580delinsGC, p.Phe860Cys (NM_001193466.2, NM_001379198.1); and 4 more; short protein forms F375C, F438C, F825C, F859C, F860C, F437C, F796C, F826C.
Identifiers: ClinVar variation 2012878 (VCV002012878.4), dbSNP rs2510407066, ClinGen allele CA2580094018.
Genomic context (GRCh38, chr17:46,034,247, plus strand): 5'-CAGTTTCTCTACGCGAGTTGTTGCAGCAACAGACATTGGGATGACAATGTTGTTAATATC[AA>GC]ATGAGCTCTCTCCCCTTCTCCTCCTTACTGGCTGCTGCTGTAAGATAAAAATTAAGTTTA-3'
Protein context (NP_056258.1, residues 850-870): PVRRRRGESS[Phe860Cys]DINNIVIPMS

ClinVar aggregate classification (germline): Uncertain significance (1 of 4 stars; one submission).

Conditions:
Koolen-de Vries syndrome (KDVS). Identifiers: Orphanet 96169, MedGen C1864871, MONDO:0012496, OMIM 610443.

Submission:

Labcorp Genetics (formerly Invitae), Labcorp
Classification: Uncertain significance for Koolen-de Vries syndrome. Last evaluated: 2023-10-07. Review status: criteria provided, single submitter. Criteria: Invitae Variant Classification Sherloc (09022015). Collection method: clinical testing. Allele origin: germline.
Comment: This sequence change replaces phenylalanine, which is neutral and non-polar, with cysteine, which is neutral and slightly polar, at codon 860 of the KANSL1 protein (p.Phe860Cys). Information on the frequency of this variant in the gnomAD database is not available, as this variant may be reported differently in the database. This variant has not been reported in the literature in individuals affected with KANSL1-related conditions. ClinVar contains an entry for this variant (Variation ID: 2012878). An algorithm developed to predict the effect of missense changes on protein structure and function (PolyPhen-2) suggests that this variant is likely to be disruptive. In summary, the available evidence is currently insufficient to determine the role of this variant in disease. Therefore, it has been classified as a Variant of Uncertain Significance.